The following is an entry in ClinVar:

NM_014927.5(CNKSR2):c.3085T>C (p.Tyr1029His)

Gene: CNKSR2 (connector enhancer of kinase suppressor of Ras 2; plus strand). Cytogenetic location: Xp22.12.
Variant type: single nucleotide variant.
Coding change: c.3085T>C on transcript NM_014927.5 (MANE Select); coding-DNA position 3085, T replaced by C.
Protein change: p.Tyr1029His; replaces tyrosine 1029 with histidine.
Molecular consequence: missense variant.
Genome position (GRCh38, 1-based): chrX:21,652,501, T>C. VCF-style: chrX-21652501-T-C. GRCh37 (hg19) VCF-style: chrX-21670619-T-C.
Other names: c.2995T>C, p.Tyr999His (NM_001168647.3); c.2938T>C, p.Tyr980His (NM_001330770.2); c.2848T>C, p.Tyr950His (NM_001330772.2); short protein forms Y1029H, Y950H, Y980H, Y999H.
Identifiers: ClinVar variation 3896012 (VCV003896012.1).

ClinVar aggregate classification (germline): Uncertain significance (1 of 4 stars; one submission).

Submission:

Women's Health and Genetics/Laboratory Corporation of America, LabCorp
Classification: Uncertain significance. Last evaluated: 2025-03-24. Review status: criteria provided, single submitter. Criteria: LabCorp Variant Classification Summary - May 2015. Collection method: clinical testing. Allele origin: germline.
Comment: Variant summary: CNKSR2 c.3085T>C (p.Tyr1029His) results in a conservative amino acid change in the encoded protein sequence. Three of five in-silico tools predict a benign effect of the variant on protein function. The variant was absent in 182542 control chromosomes (gnomAD). The available data on variant occurrences in the general population are insufficient to allow any conclusion about variant significance. To our knowledge, no occurrence of c.3085T>C in individuals affected with Mental Retardation X-Linked Syndromic Houge Type and no experimental evidence demonstrating its impact on protein function have been reported. No submitters have cited clinical-significance assessments for this variant to ClinVar. Based on the evidence outlined above, the variant was classified as uncertain significance.